The following is an entry in ClinVar:

NM_000163.5(GHR):c.1061A>T (p.Asp354Val)

Gene: GHR (growth hormone receptor; plus strand). Cytogenetic location: 5p12.
Variant type: single nucleotide variant.
Coding change: c.1061A>T on transcript NM_000163.5 (MANE Select); coding-DNA position 1061, A replaced by T.
Protein change: p.Asp354Val; replaces aspartic acid 354 with valine.
Molecular consequence: missense variant. On other transcripts: 3 prime UTR variant (1).
Genome position (GRCh38, 1-based): chr5:42,718,568, A>T. VCF-style: chr5-42718568-A-T. GRCh37 (hg19) VCF-style: chr5-42718670-A-T.
Other names: c.1082A>T, p.Asp361Val (NM_001242399.2); c.1061A>T, p.Asp354Val (NM_001242400.2, NM_001242401.4, NM_001242402.2 and 4 more transcripts); c.995A>T, p.Asp332Val (NM_001242460.2); c.*103A>T (NM_001242462.1); short protein forms D332V, D361V, D354V.
Identifiers: ClinVar variation 3520092 (VCV003520092.4).

ClinVar aggregate classification (germline): Uncertain significance. Review status: criteria provided, multiple submitters, no conflicts (2 of 4 stars). 3 submissions from 3 submitters: Uncertain significance (3). Last evaluated 2026-03-02.

Conditions:
Inborn genetic diseases. Identifiers: MedGen C0950123, MeSH D030342.

gnomAD v4.1: 32 of 1,614,056 alleles (0.002%); highest among the groups gnomAD compares: Admixed American, 0.053%; no homozygotes.

Submissions (3):

GeneDx
Classification: Uncertain significance. Last evaluated: 2026-03-02. Review status: criteria provided, single submitter. Criteria: GeneDx Variant Classification Process June 2021. Collection method: clinical testing. Allele origin: germline.
Comment: In silico analysis supports that this missense variant has a deleterious effect on protein structure/function; Has not been previously published as pathogenic or benign to our knowledge

Labcorp Genetics (formerly Invitae), Labcorp
Classification: Uncertain significance. Last evaluated: 2025-11-25. Review status: criteria provided, single submitter. Criteria: Invitae Variant Classification Sherloc (09022015). Collection method: clinical testing. Allele origin: germline.
Comment: This sequence change replaces aspartic acid, which is acidic and polar, with valine, which is neutral and non-polar, at codon 354 of the GHR protein (p.Asp354Val). This variant is present in population databases (rs755418537, gnomAD 0.09%). This variant has not been reported in the literature in individuals affected with GHR-related conditions. ClinVar contains an entry for this variant (Variation ID: 3520092). Invitae Evidence Modeling of protein sequence and biophysical properties (such as structural, functional, and spatial information, amino acid conservation, physicochemical variation, residue mobility, and thermodynamic stability) indicates that this missense variant is not expected to disrupt GHR protein function with a negative predictive value of 80%. In summary, the available evidence is currently insufficient to determine the role of this variant in disease. Therefore, it has been classified as a Variant of Uncertain Significance.

Ambry Genetics
Classification: Uncertain significance for Inborn genetic diseases. Last evaluated: 2024-09-08. Review status: criteria provided, single submitter. Criteria: Ambry Variant Classification Scheme 2023. Collection method: clinical testing. Allele origin: germline.